The following is an entry in ClinVar:

NM_021098.3(CACNA1H):c.3744+197C>T

Gene: CACNA1H (calcium voltage-gated channel subunit alpha1 H; plus strand). Cytogenetic location: 16p13.3.
Variant type: single nucleotide variant.
Coding change: c.3744+197C>T on transcript NM_021098.3 (MANE Select); 197 bases into the intron after coding-DNA position 3744, C replaced by T.
Molecular consequence: intron variant.
Genome position (GRCh38, 1-based): chr16:1,209,609, C>T. VCF-style: chr16-1209609-C-T. GRCh37 (hg19) VCF-style: chr16-1259609-C-T.
Other names: c.3744+197C>T (NM_001005407.2).
Identifiers: ClinVar variation 1706814 (VCV001706814.2), dbSNP rs114948746, ClinGen allele CA276665266.

ClinVar aggregate classification (germline): Likely benign (1 of 4 stars; one submission).

Allele frequency attached by ClinVar (database versions not stated): 1000 Genomes Project 0.00280; 1000 Genomes Project 30x 0.00312; gnomAD 0.00313; TOPMed 0.00335.
gnomAD v4.1: 645 of 686,478 alleles (0.094%); highest among the groups gnomAD compares: African/African-American, 1.1%; 6 homozygotes.

Submission:

GeneDx
Classification: Likely benign. Last evaluated: 2020-06-16. Review status: criteria provided, single submitter. Criteria: GeneDx Variant Classification Process June 2021. Collection method: clinical testing. Allele origin: germline. Affected: yes.
Comment: See Variant Classification Assertion Criteria.